The following is an entry in ClinVar:

ClinVar aggregate classification (germline): Conflicting classifications of pathogenicity. Review status: criteria provided, conflicting classifications (1 of 4 stars). 3 submissions from 3 submitters: Pathogenic (1); Likely pathogenic (1); Uncertain significance (1). Last evaluated 2026-09-17.

Conditions:
Atypical hemolytic-uremic syndrome. Identifiers: Orphanet 2134, MedGen C2931788, MONDO:0016244.
Factor I deficiency (CFID). Also called: Complement factor I deficiency. Identifiers: Orphanet 200418, MedGen C3463916, MONDO:0012594, OMIM 610984.
Age related macular degeneration 13. Identifiers: MedGen C3809523, MONDO:0014189, OMIM 615439.
Atypical hemolytic-uremic syndrome with I factor anomaly. Also called: HEMOLYTIC UREMIC SYNDROME, ATYPICAL, SUSCEPTIBILITY TO, 3; AHUS, SUSCEPTIBILITY TO, 3. Identifiers: Orphanet 2134, MedGen C2752039, MONDO:0013041, OMIM 612923.

Allele frequency attached by ClinVar (database versions not stated): gnomAD 0.00001; gnomAD exomes 0.00001; TOPMed 0.00002.
gnomAD v4.1: 11 of 1,612,922 alleles (0.00068%); highest among the groups gnomAD compares: Non-Finnish European, 0.00093%; no homozygotes.

Submissions (3):

Genomenon, Inc
Classification: Pathogenic for Atypical hemolytic-uremic syndrome. Last evaluated: 2026-09-17. Review status: criteria provided, single submitter. Criteria: Genomenon Sequence Variant Interpretation Standards - Updated. Collection method: curation. Allele origin: germline. Affected: yes.
Comment: CFI p.Gly342Glu (c.1025G>A) is a missense variant that changes the amino acid at codon 342 from Glycine to Glutamic acid. This variant has been observed in at least one proband affected with atypical hemolytic-uremic syndrome (PMID:32510551;32734241;33999392;23307876;29282226). At least one functional study has demonstrated a substantial alteration in protein function relative to the wild-type (PMID:35069568). This variant is located in a mutational hotspot and/or important functional domain. It is absent or not present at a significant frequency in gnomAD. In silico models predict that this variant is possibly or probably damaging. In conclusion, we classify CFI p.Gly342Glu (c.1025G>A) as a pathogenic variant.

Labcorp Genetics (formerly Invitae), Labcorp
Classification: Uncertain significance. Last evaluated: 2025-07-21. Review status: criteria provided, single submitter. Criteria: Invitae Variant Classification Sherloc (09022015). Collection method: clinical testing. Allele origin: germline.
Comment: This sequence change replaces glycine, which is neutral and non-polar, with glutamic acid, which is acidic and polar, at codon 342 of the CFI protein (p.Gly342Glu). This variant is present in population databases (no rsID available, gnomAD 0.003%). This missense change has been observed in individual(s) with clinical features of atypical hemolytic uremic syndrome (PMID: 23307876, 32510551). ClinVar contains an entry for this variant (Variation ID: 1404661). Invitae Evidence Modeling of protein sequence and biophysical properties (such as structural, functional, and spatial information, amino acid conservation, physicochemical variation, residue mobility, and thermodynamic stability) indicates that this missense variant is expected to disrupt CFI protein function with a positive predictive value of 80%. Experimental studies are conflicting or provide insufficient evidence to determine the effect of this variant on CFI function (PMID: 32510551, 35069568). In summary, the available evidence is currently insufficient to determine the role of this variant in disease. Therefore, it has been classified as a Variant of Uncertain Significance.

Fulgent Genetics
Classification: Likely pathogenic for Factor I deficiency; Atypical hemolytic-uremic syndrome with I factor anomaly; Age related macular degeneration 13. Last evaluated: 2024-03-22. Review status: criteria provided, single submitter. Criteria: ACMG Guidelines, 2015. Collection method: clinical testing. Allele origin: germline.

Literature cited by the submitters: PubMed 32510551 (cited by Genomenon, Inc and Labcorp Genetics (formerly Invitae), Labcorp); PubMed 32734241 (cited by Genomenon, Inc); PubMed 33999392 (cited by Genomenon, Inc); PubMed 23307876 (cited by Genomenon, Inc and Labcorp Genetics (formerly Invitae), Labcorp); PubMed 29282226 (cited by Genomenon, Inc); PubMed 35069568 (cited by Genomenon, Inc and Labcorp Genetics (formerly Invitae), Labcorp).

NM_000204.5(CFI):c.1025G>A (p.Gly342Glu)

Gene: CFI (complement factor I; minus strand). Cytogenetic location: 4q25.
Variant type: single nucleotide variant.
Coding change: c.1025G>A on transcript NM_000204.5 (MANE Select); coding-DNA position 1025, G replaced by A.
Protein change: p.Gly342Glu; replaces glycine 342 with glutamic acid.
Molecular consequence: missense variant. On other transcripts: non-coding transcript variant (3).
Genome position (GRCh38, 1-based): chr4:109,749,518, C>T on the plus strand (G>A on the coding strand, the complement: CFI is on the minus strand). VCF-style: chr4-109749518-C-T. GRCh37 (hg19) VCF-style: chr4-110670674-C-T.
Other names: c.1049G>A, p.Gly350Glu (NM_001318057.2, NM_001375278.1); c.1004G>A, p.Gly335Glu (NM_001331035.2, NM_001375280.1, NM_001375282.1); c.1025G>A, p.Gly342Glu (NM_001375279.1, NM_001375281.1); c.968G>A, p.Gly323Glu (NM_001375283.1); c.416G>A, p.Gly139Glu (NM_001375284.1); short protein forms G350E, G342E, G139E, G323E, G335E.
Identifiers: ClinVar variation 1404661 (VCV001404661.7), dbSNP rs1312234258, ClinGen allele CA357859002.
Genomic context (GRCh38, chr4:109,749,518, plus strand): 5'-GTTTCTGGGCAGTTGCATTGTGACTTTTCATGCGACTTTACCAGTTGTGCTCGCTTTCCT[C>T]CCACAATTCGTTTCCTTCGAATGTGCATTCTGTTTTTAACTCCACAAGATAGTTTAGGTA-3'
Protein context (NP_000195.3, residues 332-352): RMHIRRKRIV[Gly342Glu]GKRAQLGDLP